The following is an entry in ClinVar:

ClinVar aggregate classification (germline): Uncertain significance. Review status: criteria provided, multiple submitters, no conflicts (2 of 4 stars). 2 submissions from 2 submitters: Uncertain significance (2). Last evaluated 2024-10-29.

gnomAD v4.1: 12 of 1,614,010 alleles (0.00074%); highest among the groups gnomAD compares: African/African-American, 0.0013%; no homozygotes.

Submissions (2):

Ambry Genetics
Classification: Uncertain significance. Last evaluated: 2024-10-29. Review status: criteria provided, single submitter. Criteria: Ambry Variant Classification Scheme 2023. Collection method: clinical testing. Allele origin: germline.

Labcorp Genetics (formerly Invitae), Labcorp
Classification: Uncertain significance. Last evaluated: 2024-04-30. Review status: criteria provided, single submitter. Criteria: Invitae Variant Classification Sherloc (09022015). Collection method: clinical testing. Allele origin: germline.
Comment: This sequence change replaces arginine, which is basic and polar, with cysteine, which is neutral and slightly polar, at codon 440 of the PRPF4 protein (p.Arg440Cys). This variant is not present in population databases (gnomAD no frequency). This variant has not been reported in the literature in individuals affected with PRPF4-related conditions. An algorithm developed to predict the effect of missense changes on protein structure and function (PolyPhen-2) suggests that this variant is likely to be disruptive. In summary, the available evidence is currently insufficient to determine the role of this variant in disease. Therefore, it has been classified as a Variant of Uncertain Significance.

NM_001244926.2(PRPF4):c.1315C>T (p.Arg439Cys)

Gene: PRPF4 (pre-mRNA splicing tri-snRNP complex factor PRPF4; plus strand). Cytogenetic location: 9q32.
Variant type: single nucleotide variant.
Coding change: c.1315C>T on transcript NM_001244926.2 (MANE Select); coding-DNA position 1315, C replaced by T.
Protein change: p.Arg439Cys; replaces arginine 439 with cysteine.
Molecular consequence: missense variant. On other transcripts: non-coding transcript variant (2).
Genome position (GRCh38, 1-based): chr9:113,290,959, C>T. VCF-style: chr9-113290959-C-T. GRCh37 (hg19) VCF-style: chr9-116053239-C-T.
Other names: c.589C>T, p.Arg197Cys (NM_001322266.2, NM_001322267.2); c.1318C>T, p.Arg440Cys (NM_004697.5); short protein forms R439C, R440C, R197C.
Identifiers: ClinVar variation 3425759 (VCV003425759.3).